The following is an entry in ClinVar:

ClinVar aggregate classification (germline): Uncertain significance. Review status: criteria provided, multiple submitters, no conflicts (2 of 4 stars). 2 submissions from 2 submitters: Uncertain significance (2). Last evaluated 2022-10-07.

Allele frequency attached by ClinVar (database versions not stated): gnomAD 0.00003 and 0.00001; ESP Exome Variant Server 0.00008; gnomAD exomes 0.00001; ExAC 0.00002; TOPMed 0.00002; 1000 Genomes Project 30x 0.00016; 1000 Genomes Project 0.00020.
gnomAD v4.1: 16 of 1,614,088 alleles (0.00099%); highest among the groups gnomAD compares: Middle Eastern, 0.016%; no homozygotes.

Submissions (2):

Blueprint Genetics
Classification: Uncertain significance. Last evaluated: 2022-10-07. Review status: criteria provided, single submitter. Criteria: ACMG Guidelines, 2015. Collection method: clinical testing. Allele origin: germline.

ARUP Laboratories, Molecular Genetics and Genomics, ARUP Laboratories
Classification: Uncertain significance. Last evaluated: 2020-01-16. Review status: criteria provided, single submitter. Criteria: ARUP Molecular Germline Variant Investigation Process. Collection method: clinical testing. Allele origin: germline.
Comment: The FKBP10 c.311G>A; p.Arg104Gln variant (rs142507953), to our knowledge, is not reported in the medical literature or gene-specific databases. This variant is found on only three chromosomes (3/250906 alleles) in the Genome Aggregation Database. The arginine at codon 104 is moderately conserved, it occurs as a glutamine in several vertebrate species, and computational analyses (SIFT, PolyPhen-2) predict that this variant is tolerated. However, given the lack of clinical and functional data, the significance of the p.Arg104Gln variant is uncertain at this time.

NM_021939.4(FKBP10):c.311G>A (p.Arg104Gln)

Gene: FKBP10 (FKBP prolyl isomerase 10; plus strand). Cytogenetic location: 17q21.2.
Variant type: single nucleotide variant.
Coding change: c.311G>A on transcript NM_021939.4 (MANE Select); coding-DNA position 311, G replaced by A.
Protein change: p.Arg104Gln; replaces arginine 104 with glutamine.
Molecular consequence: missense variant.
Genome position (GRCh38, 1-based): chr17:41,817,123, G>A. VCF-style: chr17-41817123-G-A. GRCh37 (hg19) VCF-style: chr17-39973375-G-A.
Other names: short protein forms R104Q.
Identifiers: ClinVar variation 994050 (VCV000994050.9), dbSNP rs142507953, ClinGen allele CA8566189.